The following is an entry in ClinVar:

ClinVar aggregate classification (germline): Pathogenic. Review status: reviewed by expert panel (3 of 4 stars). 20 submissions from 16 submitters: Pathogenic (1). 19 of the submissions do not count toward it. Last evaluated 2026-06-23.

Conditions:
ABCA4-related retinopathy. Also called: ABCA4-related retinoapthy; ABCA4 retinoapthy. Identifiers: MedGen CN322612, MONDO:0800406.
Macular dystrophy. Identifiers: MedGen C0730292, HP:0007754.
ABCA4-related disorder. Also called: ABCA4-related condition; ABCA4-related disorders. Identifiers: MedGen CN239167.
Severe early-childhood-onset retinal dystrophy (STGD1). Also called: Stargardt macular dystrophy; Juvenile onset macular degeneration; Stargardt disease 1; STGD; MACULAR DYSTROPHY WITH FLECKS, TYPE 1. Identifiers: Orphanet 364055, Orphanet 827, MedGen C1855465, MeSH D000080362, MONDO:0009549, OMIM 248200.
Cone-rod dystrophy 3 (CORD3). Identifiers: Orphanet 1872, MedGen C1858806, MONDO:0011395, OMIM 604116.
Retinitis pigmentosa 19 (RP19). Also called: ABCA4-Related Retinitis Pigmentosa. Identifiers: Orphanet 791, MedGen C1866422, MONDO:0011137, OMIM 601718.
Age related macular degeneration 2. Also called: MACULAR DEGENERATION, SENILE; MACULOPATHY, AGE-RELATED, 2; MACULOPATHY, AGE-RELATED. Identifiers: MedGen C3495438, MONDO:0007932, OMIM 153800.
Retinal dystrophy. Also called: Inherited retinal dystrophy. Identifiers: Orphanet 71862, MedGen C0854723, MeSH D058499, MONDO:0019118, HP:0000556.
Retinitis pigmentosa (RP). Identifiers: Orphanet 791, MedGen C0035334, MeSH D012174, MONDO:0019200, OMIM 268000. Inheritance: Autosomal dominant, autosomal recessive and X linked inheritance.
Cone-rod dystrophy. Also called: Cone-rod degeneration; Cone/cone-rod dystrophy. Identifiers: Orphanet 1872, MedGen C4085590, MONDO:0015993, HP:0000548.
Stargardt disease (FFM). Also called: Stargardt's disease; Fundus flavimaculatus. Identifiers: Orphanet 827, MedGen C0271093, MONDO:0019353.
Stargardt disease 3. Also called: STARGARDT-LIKE MACULAR DYSTROPHY, AUTOSOMAL DOMINANT; MACULAR DYSTROPHY WITH FLECKS, TYPE 3. Identifiers: Orphanet 827, MedGen C1838644, MONDO:0010819, OMIM 600110.

Allele frequency attached by ClinVar (database versions not stated): TOPMed 0.00005; gnomAD 0.00007; gnomAD exomes 0.00007 and 0.00014; ESP Exome Variant Server 0.00008; ExAC 0.00017.
gnomAD v4.1: 121 of 1,614,088 alleles (0.0075%); highest among the groups gnomAD compares: East Asian, 0.022%; no homozygotes.

Submissions 1 to 7 of 20:

ClinGen ABCA4 Variant Curation Expert Panel, Clingen
Classification: Pathogenic for ABCA4-related retinopathy. Last evaluated: 2026-06-23. Review status: reviewed by expert panel. Criteria: ClinGen ABCA4 ACMG Specifications V1.0.0. Collection method: curation. Allele origin: germline. Inheritance: Autosomal recessive inheritance.
Comment: The NM_000350.3:c.2894A>G variant in ABCA4 is a missense variant predicted to cause substitution of asparagine by serine at amino acid 965 (p.Asn965Ser). The total minor allele frequency in gnomAD v4.1.0 is 0.00007496 (121/1614088 alleles), which is lower than the ClinGen ABCA4 VCEP’s threshold for PM2_Supporting (<0.0001). The computational predictor REVEL gives a score of 0.779 which is above the threshold of >0.772 (PP3_Moderate). The prevalence of the variant in affected individuals is significantly increased compared with the prevalence in controls with an OR of 75.4 and CI of 49.14 to 119.82, which is above the ABCA4 VCEP threshold of ≥5, where the CI does not contain 1 (PS4; PMID: 35120629). Experiments with transgenic p.Asn965Ser knock-in mice showed the variant expresses at half the level of wildtype ABCA4, partially mislocalized to the endoplasmic reticulum (ER) of photoreceptors, was devoid of N-Ret-PE activated ATPase activity, and caused an increase in autofluorescence and the bisretinoid A2E associated with lipofuscin deposits in retinal pigment epithelial cells, indicating loss of ABCA4 protein function (PS3; PMID: 29145636). In summary, this variant meets the criteria to be classified as pathogenic for ABCA4-related retinopathy based on the ACMG/AMP criteria applied, as specified by the ClinGen ABCA4 VCEP (Specification Version 1): PS4, PS3, PP3, PM2_Supporting.

PreventionGenetics, part of Exact Sciences
Classification: Pathogenic for ABCA4-related condition. Last evaluated: 2026-07-07. Review status: criteria provided, single submitter. Criteria: ACMG Guidelines, 2015. Collection method: clinical testing. Allele origin: germline. Not counted in ClinVar's aggregate classification.
Comment: The ABCA4 c.2894A>G variant is predicted to result in the amino acid substitution p.Asn965Ser. This variant has been reported many times in individuals with retinal disease (see for examples: Rosenberg et al. 2007. PubMed ID: 17982420; Table S1, Stone et al. 2017. PubMed ID: 28559085; Table S1, Lin et al. 2024. PubMed ID: 38219857). Functional studies revealed that this variant has decreased expression, reduced ATPase activity, and is mislocalized (Curtis et al. 2020. PubMed ID: 32845050; Molday et al. 2018. PubMed ID: 29145636; Quazi et al. 2013. PubMed ID: 24097981). This variant is present in 0.040% of alleles in individuals of East Asian descent in gnomAD. A study of the allele frequency in patients versus controls classifies this variant as having moderate severity (Table S2A, Cornelis et al. 2022. PubMed ID: 35120629). This variant is interpreted as pathogenic.

Labcorp Genetics (formerly Invitae), Labcorp
Classification: Pathogenic. Last evaluated: 2026-01-24. Review status: criteria provided, single submitter. Criteria: Invitae Variant Classification Sherloc (09022015). Collection method: clinical testing. Allele origin: germline. Not counted in ClinVar's aggregate classification.
Comment: This sequence change replaces asparagine, which is neutral and polar, with serine, which is neutral and polar, at codon 965 of the ABCA4 protein (p.Asn965Ser). The frequency data for this variant in the population databases is considered unreliable, as metrics indicate poor data quality at this position in the gnomAD database. This missense change has been observed in individuals with ABCA4-related disease and/or Stargardt disease (PMID: 17982420, 25356976, 27739528, 28559085). It has also been observed to segregate with disease in related individuals. ClinVar contains an entry for this variant (Variation ID: 236096). Invitae Evidence Modeling of protein sequence and biophysical properties (such as structural, functional, and spatial information, amino acid conservation, physicochemical variation, residue mobility, and thermodynamic stability) indicates that this missense variant is expected to disrupt ABCA4 protein function with a positive predictive value of 95%. Experimental studies have shown that this missense change affects ABCA4 function (PMID: 22735453, 24097981, 29145636). For these reasons, this variant has been classified as Pathogenic.

3billion
Classification: Pathogenic for Severe early-childhood-onset retinal dystrophy. Last evaluated: 2025-04-11. Review status: criteria provided, single submitter. Criteria: ACMG Guidelines, 2015. Collection method: clinical testing. Allele origin: germline. Affected: yes. Not counted in ClinVar's aggregate classification.
Comment: The variant is observed at an extremely low frequency in the gnomAD v4.1.0 dataset (total allele frequency: 0.007%). The variant is located in a mutational hot spot and/or well-established functional domain in which established pathogenic variants have been reported. Functional studies provide strong evidence of the variant having a damaging effect on the gene or gene product (PMID: 29145636). In silico tool predictions suggest damaging effect of the variant on gene or gene product [REVEL: 0.78 (>=0.6, sensitivity 0.68 and specificity 0.92); 3Cnet: 0.99 (> 0.75, sensitivity 0.96 and precision 0.92)]. The same nucleotide change resulting in the same amino acid change has been previously reported as pathogenic/likely pathogenic with strong evidence (ClinVar ID: VCV000236096 / PMID: 9054934 / 3billion dataset). The variant has been reported to be in trans with a pathogenic variant as either compound heterozygous or homozygous in at least one similarly affected unrelated individual (PMID: 17982420). Different missense changes at the same codon (p.Asn965Asp, p.Asn965Ile, p.Asn965Lys, p.Asn965Tyr) have been reported as pathogenic/likely pathogenic with strong evidence (ClinVar ID: VCV000099172, VCV000636146, VCV003255560 / PMID: 21911583). Therefore, this variant is classified as Pathogenic according to the recommendation of ACMG/AMP guideline.

First Genomix Gene Laboratory, Genetic Diagnostics Department
Classification: Pathogenic for Cone-rod dystrophy 3; Severe early-childhood-onset retinal dystrophy; Retinitis pigmentosa 19. Last evaluated: 2025-03-27. Review status: criteria provided, single submitter. Criteria: ACMG Guidelines, 2015. Collection method: clinical testing. Allele origin: germline. Inheritance: Autosomal recessive inheritance. Affected: no. Observed: 1 variant allele. Not counted in ClinVar's aggregate classification.

SingHealth Duke-NUS Institute of Precision Medicine
Classification: Pathogenic for Severe early-childhood-onset retinal dystrophy. Last evaluated: 2025-02-05. Review status: criteria provided, single submitter. Criteria: PRISM ACMG Classification Criteria. Collection method: clinical testing. Allele origin: germline. Affected: yes. Not counted in ClinVar's aggregate classification.
Comment: Variant is located in a mutational hotspot where >50% of variants are pathogenic (PM1) + Homozygous allele count in gnomAD exomes and genomes are less than 0 (PM2). Other variants on this amino acid residue have been classified as pathogenic (PM5, p.Asn965Asp, p.Asn965Ile, p.Asn965Lys). REVEL score is 0.779 (PP3_mod). + Variant is found to be in trans with another pathogenic variant (PM3, internal data). Study has shown the variant affects the function of the protein (PS3, PMID:29145636)

Blueprint Genetics
Classification: Pathogenic for ABCA4-related disorders. Last evaluated: 2024-09-03. Review status: criteria provided, single submitter. Criteria: ACMG Guidelines, 2015. Collection method: clinical testing. Allele origin: germline. Affected: yes. Observed: 5 variant alleles. Not counted in ClinVar's aggregate classification.

NM_000350.3(ABCA4):c.2894A>G (p.Asn965Ser)

Gene: ABCA4 (ATP binding cassette subfamily A member 4; minus strand). Cytogenetic location: 1p22.1.
Variant type: single nucleotide variant.
Coding change: c.2894A>G on transcript NM_000350.3 (MANE Select); coding-DNA position 2894, A replaced by G.
Protein change: p.Asn965Ser; replaces asparagine 965 with serine.
Molecular consequence: missense variant.
Genome position (GRCh38, 1-based): chr1:94,046,943, T>C on the plus strand (A>G on the coding strand, the complement: ABCA4 is on the minus strand). VCF-style: chr1-94046943-T-C. GRCh37 (hg19) VCF-style: chr1-94512499-T-C.
Other names: NM_000350.3(ABCA4):c.2894A>G; c.2672A>G, p.Asn891Ser (NM_001425324.1); short protein forms N965S, N891S.
Identifiers: ClinVar variation 236096 (VCV000236096.72), dbSNP rs201471607, ClinGen allele CA958124.
Genomic context (GRCh38, chr1:94,046,943, plus strand): 5'-TAGCATGGCAGCCAGCTTCTCTGCTGGAAGACTCACAAGGTGGTGGTTTTCCCAGCTCCA[T>C]TGTGGCCCAGGAATGCGGTGATCTGGTTCTCGTAGAAGGTGATGTTCAGACGGTCCACAG-3'
Protein context (NP_000341.2, residues 955-975): ENQITAFLGH[Asn965Ser]GAGKTTTLSI